The following is an entry in ClinVar:

ClinVar aggregate classification (germline): Likely pathogenic (1 of 4 stars; one submission).

Conditions:
alpha Thalassemia. Also called: Alpha thalassemia spectrum. Identifiers: Orphanet 846, MedGen C0002312, MONDO:0011399, OMIM 604131.

Submission:

Natera, Inc.
Classification: Likely pathogenic for Alpha thalassemia. Last evaluated: 2024-12-02. Review status: criteria provided, single submitter. Criteria: Natera Variant Classification Schema (03/2026). Collection method: clinical testing. Allele origin: germline.
Comment: The c.96-1G>T variant in HBA1 is a canonical splice acceptor site variant predicted to affect pre-mRNA splicing, which may result in an abnormal transcript and altered protein product. This variant is expected to result in nonsense mediated decay, truncation, or a dysfunctional protein product. This variant is rare in the general population with a frequency below the threshold expected for the associated phenotype(s). Given the available evidence, this variant is classified as Likely Pathogenic.

NM_000558.5(HBA1):c.96-1G>T

Genes: HBA1 (hemoglobin subunit alpha 1; plus strand), LOC106804613 (hemoglobin subunit alpha 1 recombination region; plus strand). Cytogenetic location: 16p13.3.
Variant type: single nucleotide variant.
Coding change: c.96-1G>T on transcript NM_000558.5 (MANE Select); the canonical splice acceptor site of the intron before coding-DNA position 96, G replaced by T.
Molecular consequence: splice acceptor variant.
Genome position (GRCh38, 1-based): chr16:176,928, G>T. VCF-style: chr16-176928-G-T. GRCh37 (hg19) VCF-style: chr16-226927-G-T.
Identifiers: ClinVar variation 4814424 (VCV004814424.1).
Genomic context (GRCh38, chr16:176,928, plus strand): 5'-CACCCTCAACCGTCCTGGCCCCGGACCCAAACCCCACCCCTCACTCTGCTTCTCCCCGCA[G>T]GATGTTCCTGTCCTTCCCCACCACCAAGACCTACTTCCCGCACTTCGACCTGAGCCACGG-3'